The following is an entry in ClinVar:

NM_001754.5(RUNX1):c.-89T>C

Gene: RUNX1 (RUNX family transcription factor 1; minus strand). Cytogenetic location: 21q22.12.
Variant type: single nucleotide variant.
Coding change: c.-89T>C on transcript NM_001754.5 (MANE Select); 89 bases upstream of the start codon, T replaced by C.
Molecular consequence: 5 prime UTR variant.
Genome position (GRCh38, 1-based): chr21:35,049,197, A>G on the plus strand (T>C on the coding strand, the complement: RUNX1 is on the minus strand). VCF-style: chr21-35049197-A-G. GRCh37 (hg19) VCF-style: chr21-36421494-A-G.
Identifiers: ClinVar variation 339881 (VCV000339881.6), dbSNP rs77393863, ClinGen allele CA10652934.

ClinVar aggregate classification (germline): Benign. Review status: reviewed by expert panel (3 of 4 stars). 2 submissions from 2 submitters: Benign (1). 1 of the submissions does not count toward it. Last evaluated 2024-08-28.

Conditions:
Hereditary thrombocytopenia and hematologic cancer predisposition syndrome. Identifiers: Orphanet 71290, MedGen CN281654, MONDO:0011071.
Hereditary thrombocytopenia and hematological cancer predisposition syndrome associated with RUNX1. Also called: PLATELET DISORDER, ASPIRIN-LIKE; RUNX1 Familial Platelet Disorder with Associated Myeloid Malignancies; Familial Platelet Disorder with Propensity to Acute Myelogenous Leukemia; Familial thrombocytopenia with propensity to acute myelogenous leukemia. Identifiers: Orphanet 71290, MedGen C1832388, MeSH C563324, MONDO:0100083, OMIM 601399.

Allele frequency attached by ClinVar (database versions not stated): gnomAD 0.00399 and 0.00412; TOPMed 0.00500; 1000 Genomes Project 0.00539; 1000 Genomes Project 30x 0.00578.
gnomAD v4.1: 1,025 of 427,742 alleles (0.24%); highest among the groups gnomAD compares: Middle Eastern, 0.99%; 2 homozygotes.

Submissions (2):

ClinGen Myeloid Malignancy Variant Curation Expert Panel
Classification: Benign for Hereditary thrombocytopenia and hematologic cancer predisposition syndrome. Last evaluated: 2024-08-28. Review status: reviewed by expert panel. Criteria: ClinGen MyeloMalig ACMG Specifications v2. Collection method: curation. Allele origin: germline. Inheritance: Autosomal dominant inheritance.
Comment: NM_001754.5(RUNX1):c.-89T>C is an intronic variant with a MAF of 0.009027 (0.9027%, 372/41210,) in the African American subpopulation of gnomAD v3.1.2 cohort is ≥ 0.0015 (0.15%) (BA1). This variant is detected in a homozygous state in one individual in gnomAD 3.1.2 African American cohort (BP2). This synonymous variant has a SpliceAI score ≤ 0.20 (Donor/Acceptor Gain 0.12) (BP4). Evolutionary conservation prediction algorithms predict the site as not being conserved (PhyloP score 1.88< 2.0) (BP7). In summary, this variant meets criteria to be classified as benign. ACMG/AMP criteria applied, as specified by the Myeloid Malignancy Variant Curation Expert Panel for RUNX1: BA1, BP4, BP7, BP2.

Illumina Laboratory Services, Illumina
Classification: Benign for Hereditary thrombocytopenia and hematological cancer predisposition syndrome associated with RUNX1. Last evaluated: 2018-01-12. Review status: criteria provided, single submitter. Criteria: ICSL Variant Classification Criteria 13 December 2019. Collection method: clinical testing. Allele origin: germline. Not counted in ClinVar's aggregate classification.
Comment: This variant was observed in the ICSL laboratory as part of a predisposition screen in an ostensibly healthy population. It had not been previously curated by ICSL or reported in the Human Gene Mutation Database (HGMD: prior to June 1st, 2018), and was therefore a candidate for classification through an automated scoring system. Utilizing variant allele frequency, disease prevalence and penetrance estimates, and inheritance mode, an automated score was calculated to assess if this variant is too frequent to cause the disease. Based on the score and internal cut-off values, a variant classified as benign is not then subjected to further curation. The score for this variant resulted in a classification of benign for this disease.